The following is an entry in ClinVar:

NM_001903.5(CTNNA1):c.814G>A (p.Gly272Ser)

Gene: CTNNA1 (catenin alpha 1; plus strand). Cytogenetic location: 5q31.2.
Variant type: single nucleotide variant.
Coding change: c.814G>A on transcript NM_001903.5 (MANE Select); coding-DNA position 814, G replaced by A.
Protein change: p.Gly272Ser; replaces glycine 272 with serine.
Molecular consequence: missense variant.
Genome position (GRCh38, 1-based): chr5:138,824,755, G>A. VCF-style: chr5-138824755-G-A. GRCh37 (hg19) VCF-style: chr5-138160444-G-A.
Other names: c.814G>A, p.Gly272Ser (NM_001290307.3, NM_001323982.2, NM_001323983.1 and 3 more transcripts); c.505G>A, p.Gly169Ser (NM_001290309.3); c.445G>A, p.Gly149Ser (NM_001290310.3); short protein forms G272S, G169S, G149S.
Identifiers: ClinVar variation 951701 (VCV000951701.12), dbSNP rs1241420353, ClinGen allele CA361130146.
Genomic context (GRCh38, chr5:138,824,755, plus strand): 5'-GTCACAGGCATTTCCAATGCAGCCCAGGCCACTGCCTCAGACGATGCCTCACAGCACCAG[G>A]GTGGAGGAGGAGGAGAACTGGCATATGCACTCAATAACTTTGACGTAAGTTATGCTTGGG-3'
Protein context (NP_001894.2, residues 262-282): TASDDASQHQ[Gly272Ser]GGGGELAYAL

ClinVar aggregate classification (germline): Uncertain significance. Review status: criteria provided, multiple submitters, no conflicts (2 of 4 stars). 3 submissions from 3 submitters: Uncertain significance (3). Last evaluated 2025-12-29.

Conditions:
Hereditary cancer-predisposing syndrome. Also called: Neoplastic Syndromes, Hereditary; Tumor predisposition; Hereditary neoplastic syndrome; Hereditary Cancer Syndrome. Identifiers: Orphanet 140162, MedGen C0027672, MeSH D009386, MONDO:0015356.

Allele frequency attached by ClinVar (database versions not stated): gnomAD exomes below 0.00001; TOPMed below 0.00001.

Submissions (3):

Labcorp Genetics (formerly Invitae), Labcorp
Classification: Uncertain significance. Last evaluated: 2025-12-29. Review status: criteria provided, single submitter. Criteria: Invitae Variant Classification Sherloc (09022015). Collection method: clinical testing. Allele origin: germline.
Comment: This sequence change replaces glycine, which is neutral and non-polar, with serine, which is neutral and polar, at codon 272 of the CTNNA1 protein (p.Gly272Ser). This variant is present in population databases (no rsID available, gnomAD 0.003%). This variant has not been reported in the literature in individuals affected with CTNNA1-related conditions. ClinVar contains an entry for this variant (Variation ID: 951701). An algorithm developed to predict the effect of missense changes on protein structure and function (PolyPhen-2) suggests that this variant is likely to be tolerated. In summary, the available evidence is currently insufficient to determine the role of this variant in disease. Therefore, it has been classified as a Variant of Uncertain Significance.

Ambry Genetics
Classification: Uncertain significance for Hereditary cancer-predisposing syndrome. Last evaluated: 2025-07-03. Review status: criteria provided, single submitter. Criteria: Ambry Variant Classification Scheme 2023. Collection method: clinical testing. Allele origin: germline.
Comment: The p.G272S variant (also known as c.814G>A), located in coding exon 5 of the CTNNA1 gene, results from a G to A substitution at nucleotide position 814. The glycine at codon 272 is replaced by serine, an amino acid with similar properties. This amino acid position is well conserved in available vertebrate species. In addition, this alteration is predicted to be tolerated by in silico analysis. Based on the available evidence, the clinical significance of this variant remains unclear.

Blueprint Genetics
Classification: Uncertain significance. Last evaluated: 2022-05-20. Review status: criteria provided, single submitter. Criteria: ACMG Guidelines, 2015. Collection method: clinical testing. Allele origin: germline.